The following is an entry in ClinVar:

NM_000051.4(ATM):c.1607G>C (p.Cys536Ser)

Gene: ATM (ATM serine/threonine kinase; plus strand). Cytogenetic location: 11q22.3.
Variant type: single nucleotide variant.
Coding change: c.1607G>C on transcript NM_000051.4 (MANE Select); coding-DNA position 1607, G replaced by C.
Protein change: p.Cys536Ser; replaces cysteine 536 with serine.
Molecular consequence: missense variant.
Genome position (GRCh38, 1-based): chr11:108,251,072, G>C. VCF-style: chr11-108251072-G-C. GRCh37 (hg19) VCF-style: chr11-108121799-G-C.
Other names: c.1607G>C, p.Cys536Ser (NM_001351834.2); short protein forms C536S.
Identifiers: ClinVar variation 2807250 (VCV002807250.3), dbSNP rs769788188, ClinGen allele CA382534455.

ClinVar aggregate classification (germline): Uncertain significance (1 of 4 stars; one submission).

Conditions:
Ataxia-telangiectasia syndrome (AT). Also called: Ataxia-telangiectasia, complementation group E; ATAXIA-TELANGIECTASIA, COMPLEMENTATION GROUP A; ATAXIA-TELANGIECTASIA, FRESNO VARIANT; Ataxia-telangiectasia; LOUIS-BAR SYNDROME; Ataxia-telangiectasia, complementation group D. Identifiers: Orphanet 100, MedGen C0004135, MONDO:0008840, OMIM 208900.

Submission:

Labcorp Genetics (formerly Invitae), Labcorp
Classification: Uncertain significance for Ataxia-telangiectasia syndrome. Last evaluated: 2024-06-09. Review status: criteria provided, single submitter. Criteria: Invitae Variant Classification Sherloc (09022015). Collection method: clinical testing. Allele origin: germline.
Comment: This sequence change replaces cysteine, which is neutral and slightly polar, with serine, which is neutral and polar, at codon 536 of the ATM protein (p.Cys536Ser). This variant also falls at the last nucleotide of exon 10, which is part of the consensus splice site for this exon. This variant is not present in population databases (gnomAD no frequency). This variant has not been reported in the literature in individuals affected with ATM-related conditions. Algorithms developed to predict the effect of missense changes on protein structure and function output the following: SIFT: "Not Available"; PolyPhen-2: "Benign"; Align-GVGD: "Not Available". The serine amino acid residue is found in multiple mammalian species, which suggests that this missense change does not adversely affect protein function. Variants that disrupt the consensus splice site are a relatively common cause of aberrant splicing (PMID: 17576681, 9536098). Studies have shown that this missense change is associated with altered splicing resulting in multiple RNA products (Invitae). In summary, the available evidence is currently insufficient to determine the role of this variant in disease. Therefore, it has been classified as a Variant of Uncertain Significance.

Literature cited by the submitters: PubMed 17576681; PubMed 9536098.